The following is an entry in ClinVar:

ClinVar aggregate classification (germline): Likely pathogenic (1 of 4 stars; one submission).

Conditions:
Combined oxidative phosphorylation defect type 20. Also called: Combined oxidative phosphorylation deficiency 20. Identifiers: Orphanet 420728, MedGen C4014660, MONDO:0014397, OMIM 615917.

Allele frequency attached by ClinVar (database versions not stated): TOPMed 0.00001.
gnomAD v4.1: 4 of 1,612,828 alleles (0.00025%); highest among the groups gnomAD compares: Admixed American, 0.0017%; no homozygotes.

Submission:

Victorian Clinical Genetics Services, Murdoch Childrens Research Institute
Classification: Likely pathogenic for Combined oxidative phosphorylation defect type 20. Last evaluated: 2020-05-21. Review status: criteria provided, single submitter. Criteria: ACMG Guidelines, 2015. Collection method: clinical testing. Allele origin: germline. Inheritance: Autosomal recessive inheritance. Affected: yes.
Comment: Based on the classification scheme VCGS_Germline_v1.1.0, this variant is classified as Likely Pathogenic. Following criteria are met: 0102 - Loss-of-function is a known mechanism of disease for this gene. (N) 0106 - This gene is known to be associated with autosomal recessive disease. (N) 0201 - Variant is predicted to cause nonsense-mediated decay (NMD) and loss of protein. (P) 0251 - Variant is heterozygous. (N) 0302 - Variant is present in gnomAD <0.001 for dominant condition (1 heterozygote, 0 homozygotes). (P) 0402 - Variant is located in a gene associated with a severe early onset recessive condition that is intolerant to bi-allelic loss-of-function variants. (P) 0507 - Identified variant type is not compatible with in-silico predictions of pathogenicity. (N) 0704 - Comparable variant has low previous evidence for pathogenicity (Bruni, F. et al. (2017)). (P) 0807 - Variant has not previously been reported in a clinical context. 1208 - Inheritance information for this variant is not currently available. (N) Legend: (P) - Pathogenic, (N) - Neutral, (B) - Benign

Literature cited by the submitters: PubMed 29314548.

NM_020442.6(VARS2):c.1066C>T (p.Arg356Ter)

Gene: VARS2 (valyl-tRNA synthetase 2, mitochondrial; plus strand). Cytogenetic location: 6p21.33.
Variant type: single nucleotide variant.
Coding change: c.1066C>T on transcript NM_020442.6 (MANE Select); coding-DNA position 1066, C replaced by T.
Protein change: p.Arg356Ter; replaces arginine 356 with a stop codon.
Molecular consequence: nonsense.
Genome position (GRCh38, 1-based): chr6:30,918,907, C>T. VCF-style: chr6-30918907-C-T. GRCh37 (hg19) VCF-style: chr6-30886684-C-T.
Other names: c.646C>T, p.Arg216Ter (NM_001167733.3); c.1156C>T, p.Arg386Ter (NM_001167734.2); short protein forms R216*, R356*, R386*.
Identifiers: ClinVar variation 1805727 (VCV001805727.1), dbSNP rs753139152, ClinGen allele CA3705792.